The following is an entry in ClinVar:

ClinVar aggregate classification (germline): Uncertain significance (1 of 4 stars; one submission).

Conditions:
Ataxia-telangiectasia syndrome (AT). Also called: Ataxia-telangiectasia, complementation group D; AT, COMPLEMENTATION GROUP C; Ataxia-telangiectasia; Ataxia telangiectasia (A-T); Ataxia-telangiectasia, complementation group E; Cerebello-oculocutaneous telangiectasia. Identifiers: Orphanet 100, MedGen C0004135, MONDO:0008840, OMIM 208900.

Submission:

Labcorp Genetics (formerly Invitae), Labcorp
Classification: Uncertain significance for Ataxia-telangiectasia syndrome. Last evaluated: 2021-12-11. Review status: criteria provided, single submitter. Criteria: Invitae Variant Classification Sherloc (09022015). Collection method: clinical testing. Allele origin: germline.
Comment: In summary, the available evidence is currently insufficient to determine the role of this variant in disease. Therefore, it has been classified as a Variant of Uncertain Significance. Advanced modeling of protein sequence and biophysical properties (such as structural, functional, and spatial information, amino acid conservation, physicochemical variation, residue mobility, and thermodynamic stability) performed at Invitae indicates that this missense variant is not expected to disrupt ATM protein function. This variant has not been reported in the literature in individuals affected with ATM-related conditions. This variant is not present in population databases (gnomAD no frequency). This sequence change replaces leucine, which is neutral and non-polar, with arginine, which is basic and polar, at codon 1222 of the ATM protein (p.Leu1222Arg).

NM_000051.4(ATM):c.3665T>G (p.Leu1222Arg)

Gene: ATM (ATM serine/threonine kinase; plus strand). Cytogenetic location: 11q22.3.
Variant type: single nucleotide variant.
Coding change: c.3665T>G on transcript NM_000051.4 (MANE Select); coding-DNA position 3665, T replaced by G.
Protein change: p.Leu1222Arg; replaces leucine 1222 with arginine.
Molecular consequence: missense variant.
Genome position (GRCh38, 1-based): chr11:108,282,798, T>G. VCF-style: chr11-108282798-T-G. GRCh37 (hg19) VCF-style: chr11-108153525-T-G.
Other names: c.3665T>G, p.Leu1222Arg (NM_001351834.2); short protein forms L1222R.
Identifiers: ClinVar variation 1408021 (VCV001408021.6), dbSNP rs863224563, ClinGen allele CA382523134.